The following is an entry in ClinVar:

ClinVar aggregate classification (germline): Benign; association. Review status: no assertion criteria provided (0 of 4 stars). 2 submissions from 2 submitters: Benign (1). Last evaluated 2020-02-01.

Conditions:
Rheumatoid arthritis (RA). Also called: RHEUMATOID ARTHRITIS, SUSCEPTIBILITY TO. Identifiers: MedGen C0003873, MONDO:0008383, OMIM 180300, HP:0001370.
Abnormal pulmonary interstitial morphology. Also called: Interstitial lung disease; Interstitial pulmonary abnormality. Identifiers: Orphanet 182095, MedGen C5441745, MeSH D017563, MONDO:0015925, HP:0006530.
PADI4-related disorder. Also called: PADI4-related condition.

Allele frequency attached by ClinVar (database versions not stated): 1000 Genomes Project 0.53335; TOPMed 0.55177; ESP Exome Variant Server 0.55351; ExAC 0.56409; gnomAD 0.55791 and 0.55848; gnomAD exomes 0.56169; 1000 Genomes Project 30x 0.53186.

Submissions (2):

Pneumogenomics Laboratory, Instituto Nacional de Enfermedades Respiratorias Ismael Cosio Villegas
Classification: association for Interstitial Lung Disease; Rheumatoid Arthritis. Last evaluated: 2020-02-01. Review status: no assertion criteria provided. Collection method: case-control. Allele origin: germline. Affected: yes.

PreventionGenetics, part of Exact Sciences
Classification: Benign for PADI4-related condition. Last evaluated: 2019-10-17. Review status: no assertion criteria provided. Collection method: clinical testing. Allele origin: germline.
Comment: This variant is classified as benign based on ACMG/AMP sequence variant interpretation guidelines (Richards et al. 2015 PMID: 25741868, with internal and published modifications).

NM_012387.3(PADI4):c.245T>C (p.Val82Ala)

Gene: PADI4 (peptidyl arginine deiminase 4; plus strand). Cytogenetic location: 1p36.13.
Variant type: single nucleotide variant.
Coding change: c.245T>C on transcript NM_012387.3 (MANE Select); coding-DNA position 245, T replaced by C.
Protein change: p.Val82Ala; replaces valine 82 with alanine.
Molecular consequence: missense variant.
Genome position (GRCh38, 1-based): chr1:17,331,121, T>C. VCF-style: chr1-17331121-T-C. GRCh37 (hg19) VCF-style: chr1-17657616-T-C.
Other names: c.245T>C (NM_012387.2); short protein forms V82A.
Identifiers: ClinVar variation 972893 (VCV000972893.3), dbSNP rs11203367, ClinGen allele CA640381.
Genomic context (GRCh38, chr1:17,331,121, plus strand): 5'-CCACAGGTTCCTCCACATGGCCCCTGGACCCTGGGGTAGAGGTGACCCTGACGATGAAAG[T>C]GGCCAGTGGTAGCACAGGCGACCAGAAGGTGAGTGTCATAGCTGTGGGGTGGCAGTGTGG-3'
Protein context (NP_036519.2, residues 72-92): PGVEVTLTMK[Val82Ala]ASGSTGDQKV